The following is an entry in ClinVar:

ClinVar aggregate classification (germline): Likely benign. Review status: criteria provided, multiple submitters, no conflicts (2 of 4 stars). 3 submissions from 3 submitters: Likely benign (3). Last evaluated 2025-10-23.

Conditions:
Early-infantile DEE. Also called: Early infantile epileptic encephalopathy; Ohtahara syndrome; Early infantile epileptic encephalopathy with suppression bursts. Identifiers: Orphanet 1934, MedGen C0393706, MONDO:0800491.

Allele frequency attached by ClinVar (database versions not stated): gnomAD 0.00001; TOPMed 0.00001; gnomAD exomes 0.00002 and 0.00003; ExAC 0.00004; 1000 Genomes Project 0.00020; 1000 Genomes Project 30x 0.00031.
gnomAD v4.1: 39 of 1,612,248 alleles (0.0024%); highest among the groups gnomAD compares: South Asian, 0.0099%; no homozygotes.

Submissions (3):

Labcorp Genetics (formerly Invitae), Labcorp
Classification: Likely benign for Early-infantile DEE. Last evaluated: 2025-10-23. Review status: criteria provided, single submitter. Criteria: Invitae Variant Classification Sherloc (09022015). Collection method: clinical testing. Allele origin: germline.

CeGaT Center for Human Genetics Tuebingen
Classification: Likely benign. Last evaluated: 2022-02-01. Review status: criteria provided, single submitter. Criteria: CeGaT Center For Human Genetics Tuebingen Variant Classification Criteria Version 2. Collection method: clinical testing. Allele origin: germline. Affected: yes. Observed: 1 variant allele.

GeneDx
Classification: Likely benign. Last evaluated: 2017-06-08. Review status: criteria provided, single submitter. Criteria: GeneDx Variant Classification (06012015). Collection method: clinical testing. Allele origin: germline. Affected: yes.
Comment: This variant is considered likely benign or benign based on one or more of the following criteria: it is a conservative change, it occurs at a poorly conserved position in the protein, it is predicted to be benign by multiple in silico algorithms, and/or has population frequency not consistent with disease.

NM_001165963.4(SCN1A):c.3638G>A (p.Arg1213Gln)

Genes: SCN1A (sodium voltage-gated channel alpha subunit 1; minus strand), LOC102724058 (uncharacterized LOC102724058; plus strand). Cytogenetic location: 2q24.3.
Variant type: single nucleotide variant.
Coding change: c.3638G>A on transcript NM_001165963.4 (MANE Select); coding-DNA position 3638, G replaced by A.
Protein change: p.Arg1213Gln; replaces arginine 1213 with glutamine.
Molecular consequence: missense variant. On other transcripts: non-coding transcript variant (1).
Genome position (GRCh38, 1-based): chr2:166,013,811, C>T on the plus strand (G>A on the coding strand, the complement: SCN1A is on the minus strand). VCF-style: chr2-166013811-C-T. GRCh37 (hg19) VCF-style: chr2-166870321-C-T.
Other names: c.3554G>A, p.Arg1185Gln (NM_001165964.3, NM_001353957.2, NM_001353958.2); c.3638G>A, p.Arg1213Gln (NM_001202435.3, NM_001353948.2); c.3605G>A, p.Arg1202Gln (NM_001353949.2, NM_001353950.2, NM_001353951.2 and 2 more transcripts); c.3602G>A, p.Arg1201Gln (NM_001353954.2, NM_001353955.2); c.3551G>A, p.Arg1184Gln (NM_001353960.2); c.1196G>A, p.Arg399Gln (NM_001353961.2); short protein forms R1202Q, R1213Q, R1201Q, R1184Q, R1185Q, R399Q.
Identifiers: ClinVar variation 516847 (VCV000516847.42), dbSNP rs566081370, ClinGen allele CA1942908.